The following is an entry in ClinVar:

NM_014845.6(FIG4):c.531T>G (p.Tyr177Ter)

Gene: FIG4 (FIG4 phosphoinositide 5-phosphatase; plus strand). Cytogenetic location: 6q21.
Variant type: single nucleotide variant.
Coding change: c.531T>G on transcript NM_014845.6 (MANE Select); coding-DNA position 531, T replaced by G.
Protein change: p.Tyr177Ter; replaces tyrosine 177 with a stop codon.
Molecular consequence: nonsense.
Genome position (GRCh38, 1-based): chr6:109,735,183, T>G. VCF-style: chr6-109735183-T-G. GRCh37 (hg19) VCF-style: chr6-110056386-T-G.
Other names: short protein forms Y177*.
Identifiers: ClinVar variation 1070629 (VCV001070629.9), dbSNP rs760575768, ClinGen allele CA3955829.

ClinVar aggregate classification (germline): Pathogenic. Review status: criteria provided, multiple submitters, no conflicts (2 of 4 stars). 2 submissions from 2 submitters: Pathogenic (2). Last evaluated 2022-10-07.

Conditions:
Inborn genetic diseases. Identifiers: MedGen C0950123, MeSH D030342.
Charcot-Marie-Tooth disease type 4. Also called: Charcot-Marie-Tooth, Type 4; Charcot-Marie-Tooth disease, type IV. Identifiers: Orphanet 64749, MedGen C4082197, MONDO:0018995.

Allele frequency attached by ClinVar (database versions not stated): ExAC 0.00001; gnomAD exomes 0.00001.
gnomAD v4.1: 4 of 1,613,068 alleles (0.00025%); highest among the groups gnomAD compares: Non-Finnish European, 0.00034%; no homozygotes.

Submissions (2):

Ambry Genetics
Classification: Pathogenic for Inborn genetic diseases. Last evaluated: 2022-10-07. Review status: criteria provided, single submitter. Criteria: Ambry Variant Classification Scheme 2023. Collection method: clinical testing. Allele origin: germline.
Comment: The c.531T>G (p.Y177*) alteration, located in exon 6 (coding exon 6) of the FIG4 gene, consists of a T to G substitution at nucleotide position 531. This changes the amino acid from a tyrosine (Y) to a stop codon at amino acid position 177. This alteration is expected to result in loss of function by premature protein truncation or nonsense-mediated mRNA decay. Based on data from gnomAD, the G allele has an overall frequency of 0.001% (3/251020) total alleles studied. The highest observed frequency was 0.003% (3/113418) of European (non-Finnish) alleles. Based on the available evidence, this alteration is classified as pathogenic.

Labcorp Genetics (formerly Invitae), Labcorp
Classification: Pathogenic for Charcot-Marie-Tooth disease type 4. Last evaluated: 2020-04-05. Review status: criteria provided, single submitter. Criteria: Invitae Variant Classification Sherloc (09022015). Collection method: clinical testing. Allele origin: germline.
Comment: For these reasons, this variant has been classified as Pathogenic. Loss-of-function variants in FIG4 are known to be pathogenic (PMID: 23623387). Algorithms developed to predict the effect of sequence changes on RNA splicing suggest that this variant may create or strengthen a splice site, but this prediction has not been confirmed by published transcriptional studies. This variant has not been reported in the literature in individuals with FIG4-related conditions. This variant is present in population databases (rs760575768, ExAC 0.001%). This sequence change creates a premature translational stop signal (p.Tyr177*) in the FIG4 gene. It is expected to result in an absent or disrupted protein product.

Literature cited by the submitters: PubMed 23623387 (cited by Labcorp Genetics (formerly Invitae), Labcorp).